The following is an entry in ClinVar:

ClinVar aggregate classification (germline): Uncertain significance. Review status: criteria provided, multiple submitters, no conflicts (2 of 4 stars). 2 submissions from 2 submitters: Uncertain significance (2). Last evaluated 2022-12-02.

Conditions:
Autosomal dominant Parkinson disease 8. Also called: Parkinson disease 8, susceptibility to; LRRK2-Related Parkinson Disease; Parkinson disease 8. Identifiers: Orphanet 411602, MedGen C1846862, MONDO:0011764, OMIM 607060.
Inborn genetic diseases. Identifiers: MedGen C0950123, MeSH D030342.

Allele frequency attached by ClinVar (database versions not stated): gnomAD exomes below 0.00001; TOPMed below 0.00001; ExAC 0.00001; gnomAD 0.00001.
gnomAD v4.1: 3 of 1,613,224 alleles (0.00019%); highest among the groups gnomAD compares: Non-Finnish European, 0.00025%; no homozygotes.

Submissions (2):

Labcorp Genetics (formerly Invitae), Labcorp
Classification: Uncertain significance for Autosomal dominant Parkinson disease 8. Last evaluated: 2022-12-02. Review status: criteria provided, single submitter. Criteria: Invitae Variant Classification Sherloc (09022015). Collection method: clinical testing. Allele origin: germline.
Comment: This variant has not been reported in the literature in individuals affected with LRRK2-related conditions. This variant is present in population databases (rs754137010, gnomAD 0.0009%). This sequence change replaces histidine, which is basic and polar, with tyrosine, which is neutral and polar, at codon 677 of the LRRK2 protein (p.His677Tyr). Algorithms developed to predict the effect of missense changes on protein structure and function output the following: SIFT: "Tolerated"; PolyPhen-2: "Benign"; Align-GVGD: "Class C0". The tyrosine amino acid residue is found in multiple mammalian species, which suggests that this missense change does not adversely affect protein function. In summary, the available evidence is currently insufficient to determine the role of this variant in disease. Therefore, it has been classified as a Variant of Uncertain Significance.

Ambry Genetics
Classification: Uncertain significance for Inborn genetic diseases. Last evaluated: 2022-04-19. Review status: criteria provided, single submitter. Criteria: Ambry Variant Classification Scheme 2023. Collection method: clinical testing. Allele origin: germline.
Comment: The p.H677Y variant (also known as c.2029C>T), located in coding exon 17 of the LRRK2 gene, results from a C to T substitution at nucleotide position 2029. The histidine at codon 677 is replaced by tyrosine, an amino acid with similar properties. This amino acid position is conserved. In addition, this alteration is predicted to be tolerated by in silico analysis. Since supporting evidence is limited at this time, the clinical significance of this alteration remains unclear.

NM_198578.4(LRRK2):c.2029C>T (p.His677Tyr)

Gene: LRRK2 (leucine rich repeat kinase 2; plus strand). Cytogenetic location: 12q12.
Variant type: single nucleotide variant.
Coding change: c.2029C>T on transcript NM_198578.4 (MANE Select); coding-DNA position 2029, C replaced by T.
Protein change: p.His677Tyr; replaces histidine 677 with tyrosine.
Molecular consequence: missense variant.
Genome position (GRCh38, 1-based): chr12:40,277,975, C>T. VCF-style: chr12-40277975-C-T. GRCh37 (hg19) VCF-style: chr12-40671777-C-T.
Other names: short protein forms H677Y.
Identifiers: ClinVar variation 1784708 (VCV001784708.7), dbSNP rs754137010, ClinGen allele CA6513530.